The following is an entry in ClinVar:

NM_001374736.1(DST):c.21443G>A (p.Trp7148Ter)

Gene: DST (dystonin; minus strand). Cytogenetic location: 6p12.1.
Variant type: single nucleotide variant.
Coding change: c.21443G>A on transcript NM_001374736.1 (MANE Select); coding-DNA position 21443, G replaced by A.
Protein change: p.Trp7148Ter; replaces tryptophan 7148 with a stop codon.
Molecular consequence: nonsense.
Genome position (GRCh38, 1-based): chr6:56,482,138, C>T on the plus strand (G>A on the coding strand, the complement: DST is on the minus strand). VCF-style: chr6-56482138-C-T. GRCh37 (hg19) VCF-style: chr6-56346936-C-T.
Other names: c.15086G>A, p.Trp5029Ter (NM_001144769.5); c.14672G>A, p.Trp4891Ter (NM_001144770.2); c.21443G>A, p.Trp7148Ter (NM_001374722.1); c.20483G>A, p.Trp6828Ter (NM_001374729.1); c.14225G>A, p.Trp4742Ter (NM_001374730.1); c.21470G>A, p.Trp7157Ter (NM_001374734.1); c.14552G>A, p.Trp4851Ter (NM_001386100.1, NM_183380.4); c.13574G>A, p.Trp4525Ter (NM_015548.5); short protein forms W4891*, W4742*, W6828*, W7157*, W4525*, W4851*, W5029*, W7148*.
Identifiers: ClinVar variation 2132612 (VCV002132612.4), dbSNP rs2533685520, ClinGen allele CA364511903.

ClinVar aggregate classification (germline): Pathogenic (1 of 4 stars; one submission).

Conditions:
Hereditary sensory and autonomic neuropathy type 6. Also called: Neuropathy, hereditary sensory and autonomic, type VI; HSAN VI. Identifiers: Orphanet 314381, MedGen C3539003, MONDO:0013839, OMIM 614653.
Epidermolysis bullosa simplex 3, localized or generalized intermediate, with BP230 deficiency (EBS3). Also called: Epidermolysis bullosa simplex due to BP230 deficiency; Epidermolysis bullosa simplex, autosomal recessive 2. Identifiers: Orphanet 412181, MedGen C3809470, MONDO:0014180, OMIM 615425.

Submission:

Labcorp Genetics (formerly Invitae), Labcorp
Classification: Pathogenic for Epidermolysis bullosa simplex 3, localized or generalized intermediate, with BP230 deficiency; Hereditary sensory and autonomic neuropathy type 6. Last evaluated: 2022-10-18. Review status: criteria provided, single submitter. Criteria: Invitae Variant Classification Sherloc (09022015). Collection method: clinical testing. Allele origin: germline.
Comment: For these reasons, this variant has been classified as Pathogenic. This variant has not been reported in the literature in individuals affected with DST-related conditions. The DST gene has multiple clinically relevant transcripts. This variant occurs in alternate transcript NM_015548.4, and corresponds to NM_001723.5:c.*133379G>A in the primary transcript. This sequence change creates a premature translational stop signal (p.Trp4525*) in the DST gene. It is expected to result in an absent or disrupted protein product. Loss-of-function variants in DST are known to be pathogenic (PMID: 22522446, 25059916, 30371979). This variant is not present in population databases (gnomAD no frequency).

Literature cited by the submitters: PubMed 22522446; PubMed 25059916; PubMed 30371979.